The following is an entry in ClinVar:

ClinVar aggregate classification (germline): Benign (1 of 4 stars; one submission).

Conditions:
Glucocorticoid deficiency 2 (GCCD2). Also called: FAMILIAL GLUCOCORTICOID DEFICIENCY 2. Identifiers: Orphanet 361, MedGen C4049714, MONDO:0011826, OMIM 607398.

Allele frequency attached by ClinVar (database versions not stated): ESP Exome Variant Server 0.00085; gnomAD 0.00448 and 0.00727; TOPMed 0.00723; gnomAD exomes 0.01551; ExAC 0.01582; 1000 Genomes Project 30x 0.02920; 1000 Genomes Project 0.03135.
gnomAD v4.1: 12,106 of 1,614,154 alleles (0.75%); highest among the groups gnomAD compares: East Asian, 10%; 464 homozygotes.

Submission:

Illumina Laboratory Services, Illumina
Classification: Benign for Glucocorticoid deficiency 2. Last evaluated: 2018-01-13. Review status: criteria provided, single submitter. Criteria: ICSL Variant Classification Criteria 13 December 2019. Collection method: clinical testing. Allele origin: germline.
Comment: This variant was observed in the ICSL laboratory as part of a predisposition screen in an ostensibly healthy population. It had not been previously curated by ICSL or reported in the Human Gene Mutation Database (HGMD: prior to June 1st, 2018), and was therefore a candidate for classification through an automated scoring system. Utilizing variant allele frequency, disease prevalence and penetrance estimates, and inheritance mode, an automated score was calculated to assess if this variant is too frequent to cause the disease. Based on the score and internal cut-off values, a variant classified as benign is not then subjected to further curation. The score for this variant resulted in a classification of benign for this disease.

NM_001379228.1(MRAP):c.390C>G (p.Thr130=)

Genes: MRAP (melanocortin 2 receptor accessory protein; plus strand), URB1 (URB1 ribosome biogenesis factor; minus strand). Cytogenetic location: 21q22.11.
Variant type: single nucleotide variant.
Coding change: c.390C>G on transcript NM_001379228.1 (MANE Select); coding-DNA position 390, C replaced by G.
Protein change: p.Thr130=; no amino-acid change (threonine 130 retained).
Molecular consequence: synonymous variant. On other transcripts: 3 prime UTR variant (1), intron variant (1).
Genome position (GRCh38, 1-based): chr21:32,311,867, C>G. VCF-style: chr21-32311867-C-G. GRCh37 (hg19) VCF-style: chr21-33684178-C-G.
Other names: c.213C>G, p.Thr71= (NM_001285394.2); c.390C>G, p.Thr130= (NM_178817.4); c.*3051G>C (NM_014825.3); c.207-2684C>G (NM_206898.2).
Identifiers: ClinVar variation 339683 (VCV000339683.5), dbSNP rs17855143, ClinGen allele CA10001049.
Genomic context (GRCh38, chr21:32,311,867, plus strand): 5'-AGTGGAGCCAGGGAGCAGAACTGGCCCTGACCAGCCGCTACGACAGGAGAGCTCCTCCAC[C>G]TTGCCCCTCGGGGGTTTCCAGACCCACCCCACTCTCCTCTGGGAACTGACCCTCAATGGG-3'
Protein context (NP_001366157.1, residues 120-140): DQPLRQESSS[Thr130=]LPLGGFQTHP